The following is an entry in ClinVar:

ClinVar aggregate classification (germline): Uncertain significance. Review status: criteria provided, multiple submitters, no conflicts (2 of 4 stars). 2 submissions from 2 submitters: Uncertain significance (2). Last evaluated 2025-02-19.

Conditions:
Immunodeficiency 51 (IMD51). Also called: CANDIDIASIS, FAMILIAL, 5. Identifiers: Orphanet 1334, MedGen C4310803, MONDO:0013500, OMIM 613953.

Allele frequency attached by ClinVar (database versions not stated): gnomAD exomes 0.00003 and 0.00015; ExAC 0.00013; 1000 Genomes Project 30x 0.00016; TOPMed 0.00022; gnomAD 0.00024 and 0.00027.

Submissions (2):

Ambry Genetics
Classification: Uncertain significance. Last evaluated: 2025-02-19. Review status: criteria provided, single submitter. Criteria: Ambry Variant Classification Scheme 2023. Collection method: clinical testing. Allele origin: germline.

Labcorp Genetics (formerly Invitae), Labcorp
Classification: Uncertain significance for Immunodeficiency 51. Last evaluated: 2024-10-29. Review status: criteria provided, single submitter. Criteria: Invitae Variant Classification Sherloc (09022015). Collection method: clinical testing. Allele origin: germline.
Comment: This sequence change replaces glutamic acid, which is acidic and polar, with lysine, which is basic and polar, at codon 651 of the IL17RA protein (p.Glu651Lys). This variant is present in population databases (rs753549556, gnomAD 0.1%). This variant has not been reported in the literature in individuals affected with IL17RA-related conditions. ClinVar contains an entry for this variant (Variation ID: 542918). Invitae Evidence Modeling of protein sequence and biophysical properties (such as structural, functional, and spatial information, amino acid conservation, physicochemical variation, residue mobility, and thermodynamic stability) indicates that this missense variant is not expected to disrupt IL17RA protein function with a negative predictive value of 80%. In summary, the available evidence is currently insufficient to determine the role of this variant in disease. Therefore, it has been classified as a Variant of Uncertain Significance.

NM_014339.7(IL17RA):c.1951G>A (p.Glu651Lys)

Gene: IL17RA (interleukin 17 receptor A; plus strand). Cytogenetic location: 22q11.1.
Variant type: single nucleotide variant.
Coding change: c.1951G>A on transcript NM_014339.7 (MANE Select); coding-DNA position 1951, G replaced by A.
Protein change: p.Glu651Lys; replaces glutamic acid 651 with lysine.
Molecular consequence: missense variant.
Genome position (GRCh38, 1-based): chr22:17,109,170, G>A. VCF-style: chr22-17109170-G-A. GRCh37 (hg19) VCF-style: chr22-17590060-G-A.
Other names: c.1849G>A, p.Glu617Lys (NM_001289905.2); c.1951G>A (NM_014339.5); short protein forms E651K, E617K.
Identifiers: ClinVar variation 542918 (VCV000542918.11), dbSNP rs753549556, ClinGen allele CA10086884.
Genomic context (GRCh38, chr22:17,109,170, plus strand): 5'-GCCTGCCTGGCCATAGACCCGCTGGTCGGGGAGGAAGGAGGAGCAGCAGTGGCAAAGCTG[G>A]AACCTCACCTGCAGCCCCGGGGTCAGCCAGCGCCGCAGCCCCTCCACACCCTGGTGCTCG-3'
Protein context (NP_055154.3, residues 641-661): EEGGAAVAKL[Glu651Lys]PHLQPRGQPA